The following is an entry in ClinVar:

ClinVar aggregate classification (germline): Benign/Likely benign. Review status: criteria provided, multiple submitters, no conflicts (2 of 4 stars). 8 submissions from 8 submitters: Benign (1); Likely benign (6). 1 of the submissions does not count toward it. Last evaluated 2026-03-26.

Conditions:
TSC1-related disorder. Also called: TSC1-related condition.
Hereditary cancer-predisposing syndrome. Also called: Neoplastic Syndromes, Hereditary; Hereditary Cancer Syndrome; Tumor predisposition; Hereditary neoplastic syndrome. Identifiers: Orphanet 140162, MedGen C0027672, MeSH D009386, MONDO:0015356.
Tuberous sclerosis 1 (TSC1). Identifiers: Orphanet 805, MedGen C1854465, MONDO:0008612, OMIM 191100.
Tuberous sclerosis syndrome (TSC). Also called: Tuberous Sclerosis Complex; Tuberous sclerosis. Identifiers: Orphanet 805, MedGen C0041341, MONDO:0001734.

Allele frequency attached by ClinVar (database versions not stated): gnomAD exomes 0.00001 and 0.00003; gnomAD 0.00003; ExAC 0.00001; TOPMed 0.00002.
gnomAD v4.1: 47 of 1,614,090 alleles (0.0029%); highest among the groups gnomAD compares: Non-Finnish European, 0.0036%; no homozygotes.

Submissions (8):

Ambry Genetics
Classification: Likely benign for Hereditary cancer-predisposing syndrome. Last evaluated: 2026-03-26. Review status: criteria provided, single submitter. Criteria: Ambry Variant Classification Scheme 2023. Collection method: clinical testing. Allele origin: germline.

Labcorp Genetics (formerly Invitae), Labcorp
Classification: Likely benign for Tuberous sclerosis 1. Last evaluated: 2026-01-12. Review status: criteria provided, single submitter. Criteria: Invitae Variant Classification Sherloc (09022015). Collection method: clinical testing. Allele origin: germline.

Myriad Genetics, Inc.
Classification: Benign for Tuberous sclerosis 1. Last evaluated: 2025-04-10. Review status: criteria provided, single submitter. Criteria: Myriad Autosomal Dominant, Autosomal Recessive and X-Linked Classification Criteria (2023). Collection method: clinical testing. Allele origin: unknown.
Comment: This variant is considered benign. This variant is a silent/synonymous amino acid change and it is not expected to impact splicing.

All of Us Research Program, National Institutes of Health
Classification: Likely benign for Tuberous sclerosis syndrome. Last evaluated: 2024-01-11. Review status: criteria provided, single submitter. Criteria: ACMG Guidelines, 2015. Collection method: clinical testing. Allele origin: germline. Inheritance: Autosomal dominant inheritance. Observed: 10 variant alleles, 10 heterozygotes.
Comment: This study involves interpretation of variants in research participants for the purpose of population health screening. Participant phenotype was not available at the time of variant classification. Additional details can be found in publication PMID: 35346344, PMCID: PMC8962531

Color Diagnostics, LLC DBA Color Health
Classification: Likely benign for Tuberous sclerosis syndrome. Last evaluated: 2022-11-06. Review status: criteria provided, single submitter. Criteria: ACMG Guidelines, 2015. Collection method: clinical testing. Allele origin: germline.

Genome-Nilou Lab
Classification: Likely benign for Tuberous sclerosis 1. Last evaluated: 2021-11-07. Review status: criteria provided, single submitter. Criteria: ACMG Guidelines, 2015. Collection method: clinical testing. Allele origin: germline. Affected: no.

GeneDx
Classification: Likely benign. Last evaluated: 2020-03-02. Review status: criteria provided, single submitter. Criteria: GeneDx Variant Classification Process June 2021. Collection method: clinical testing. Allele origin: germline. Affected: yes.

PreventionGenetics, part of Exact Sciences
Classification: Likely benign for TSC1-related condition. Last evaluated: 2023-02-16. Review status: no assertion criteria provided. Collection method: clinical testing. Allele origin: germline. Not counted in ClinVar's aggregate classification.
Comment: This variant is classified as likely benign based on ACMG/AMP sequence variant interpretation guidelines (Richards et al. 2015 PMID: 25741868, with internal and published modifications).

NM_000368.5(TSC1):c.1878G>A (p.Glu626=)

Gene: TSC1 (TSC complex subunit 1; minus strand). Cytogenetic location: 9q34.13.
Variant type: single nucleotide variant.
Coding change: c.1878G>A on transcript NM_000368.5 (MANE Select); coding-DNA position 1878, G replaced by A.
Protein change: p.Glu626=; no amino-acid change (glutamic acid 626 retained).
Molecular consequence: synonymous variant.
Genome position (GRCh38, 1-based): chr9:132,905,700, C>T on the plus strand (G>A on the coding strand, the complement: TSC1 is on the minus strand). VCF-style: chr9-132905700-C-T. GRCh37 (hg19) VCF-style: chr9-135781087-C-T.
Other names: c.1875G>A, p.Glu625= (NM_001162426.2); c.1725G>A, p.Glu575= (NM_001162427.2); c.1515G>A, p.Glu505= (NM_001362177.2).
Identifiers: ClinVar variation 229732 (VCV000229732.27), dbSNP rs753424167, ClinGen allele CA030015.